The following is an entry in ClinVar:

NM_001034853.2(RPGR):c.2697AGGAGAAGGGGAGGGAGAAGAGGA[3] (p.900GEGEGEEE[3])

Gene: RPGR (retinitis pigmentosa GTPase regulator; minus strand). Cytogenetic location: Xp11.4.
Variant type: Microsatellite.
Coding change: c.2697AGGAGAAGGGGAGGGAGAAGAGGA[3] on transcript NM_001034853.2 (MANE Select); three copies in a row of the 24-base unit AGGAGAAGGGGAGGGAGAAGAGGA starting at c.2697; the reference has two copies in a row; one copy, 24 bases duplicated; also written c.2721_2744dup.
Protein change: p.900GEGEGEEE[3].
Molecular consequence: inframe insertion. On other transcripts: intron variant (8).
Genome position (GRCh38, 1-based): chrX:38,286,255-38,286,278, TCCTCTTCTCCCTCCCCTTCTCCT duplicated on the plus strand (AGGAGAAGGGGAGGGAGAAGAGGA on the coding strand, the reverse complement: RPGR is on the minus strand); duplicating any 24 consecutive bases within chrX:38,286,255-38,286,307 gives the same sequence; the position shown is the placement nearest the transcript's 3' end. VCF-style (leftmost placement, unchanged base first): chrX-38286254-C-CTCCTCTTCTCCCTCCCCTTCTCCT. GRCh37 (hg19) VCF-style: chrX-38145507-C-CTCCTCTTCTCCCTCCCCTTCTCCT.
Other names: c.1569+4657AGGAGAAGGGGAGGGAGAAGAGGA[3] (NM_001367249.1, NM_001367250.1); c.1902+792AGGAGAAGGGGAGGGAGAAGAGGA[3] (NM_001367245.1); c.1386+4657AGGAGAAGGGGAGGGAGAAGAGGA[3] (NM_001367251.1); c.1719+792AGGAGAAGGGGAGGGAGAAGAGGA[3] (NM_001367246.1); c.1572+4657AGGAGAAGGGGAGGGAGAAGAGGA[3] (NM_001367247.1); c.1905+792AGGAGAAGGGGAGGGAGAAGAGGA[3] (NM_000328.3); c.1602+4657AGGAGAAGGGGAGGGAGAAGAGGA[3] (NM_001367248.1); c.2721_2744dup24 (NM_001034853.1); and 1 more.
Identifiers: ClinVar variation 975116 (VCV000975116.12), dbSNP rs757402645, ClinGen allele CA640957211.

ClinVar aggregate classification (germline): Conflicting classifications of pathogenicity. Review status: criteria provided, conflicting classifications (1 of 4 stars). 4 submissions from 4 submitters: Uncertain significance (1); Likely benign (2). 1 of the submissions does not count toward it. Last evaluated 2025-06-26.

Conditions:
Primary ciliary dyskinesia. Also called: Ciliary dyskinesia. Identifiers: Orphanet 244, MedGen C0008780, MONDO:0016575, HP:0012265.
Rod-cone dystrophy. Identifiers: MedGen C4551714, HP:0000510.
RPGR-related disorder. Also called: RPGR-related condition.

Submissions (4):

PreventionGenetics, part of Exact Sciences
Classification: Likely benign for RPGR-related condition. Last evaluated: 2025-06-26. Review status: criteria provided, single submitter. Criteria: ACMG Guidelines, 2015. Collection method: clinical testing. Allele origin: germline.
Comment: This variant is classified as likely benign based on ACMG/AMP sequence variant interpretation guidelines (Richards et al. 2015 PMID: 25741868, with internal and published modifications).

Labcorp Genetics (formerly Invitae), Labcorp
Classification: Uncertain significance for Primary ciliary dyskinesia. Last evaluated: 2025-01-15. Review status: criteria provided, single submitter. Criteria: Invitae Variant Classification Sherloc (09022015). Collection method: clinical testing. Allele origin: germline.
Comment: This variant, c.2721_2744dup, results in the insertion of 8 amino acid(s) of the RPGR (ORF15) protein (p.Gly908_Glu915dup), but otherwise preserves the integrity of the reading frame. The frequency data for this variant in the population databases is considered unreliable, as metrics indicate poor data quality at this position in the gnomAD database. This variant has been observed in individual(s) with retinitis pigmentosa and/or retinal disease (PMID: 30193314). Experimental studies and prediction algorithms are not available or were not evaluated, and the functional significance of this variant is currently unknown. In summary, the available evidence is currently insufficient to determine the role of this variant in disease. Therefore, it has been classified as a Variant of Uncertain Significance.

Blueprint Genetics
Classification: Likely benign. Last evaluated: 2023-10-26. Review status: criteria provided, single submitter. Criteria: ACMG Guidelines, 2015. Collection method: clinical testing. Allele origin: germline.

Centre for Vision Research, Duke-NUS Medical School
Classification: Likely pathogenic for Rod-cone dystrophy. Last evaluated: 2026-09-04. Review status: no assertion criteria provided. Collection method: clinical testing. Allele origin: germline. Affected: yes. Observed: 1 variant allele. Not counted in ClinVar's aggregate classification.
Comment: This is predicted to cause an additional 8 amino acids within the AG-rich ORF region.

Literature cited by the submitters: PubMed 30193314 (cited by Labcorp Genetics (formerly Invitae), Labcorp).